The following is an entry in ClinVar:

NM_001999.4(FBN2):c.6089G>T (p.Gly2030Val)

Gene: FBN2 (fibrillin 2; minus strand). Cytogenetic location: 5q23.3.
Variant type: single nucleotide variant.
Coding change: c.6089G>T on transcript NM_001999.4 (MANE Select); coding-DNA position 6089, G replaced by T.
Protein change: p.Gly2030Val; replaces glycine 2030 with valine.
Molecular consequence: missense variant.
Genome position (GRCh38, 1-based): chr5:128,300,894, C>A on the plus strand (G>T on the coding strand, the complement: FBN2 is on the minus strand). VCF-style: chr5-128300894-C-A. GRCh37 (hg19) VCF-style: chr5-127636586-C-A.
Other names: short protein forms G2030V.
Identifiers: ClinVar variation 1718736 (VCV001718736.6), dbSNP rs2479711690, ClinGen allele CA360766500.

ClinVar aggregate classification (germline): Uncertain significance (1 of 4 stars; one submission).

Conditions:
Congenital contractural arachnodactyly (CCA). Also called: BEALS SYNDROME; Beals-Hecht syndrome; Arthrogryposis, distal, type 9. Identifiers: Orphanet 115, MedGen C0220668, MONDO:0007363, OMIM 121050.

Submission:

Labcorp Genetics (formerly Invitae), Labcorp
Classification: Uncertain significance for Congenital contractural arachnodactyly. Last evaluated: 2022-09-03. Review status: criteria provided, single submitter. Criteria: Invitae Variant Classification Sherloc (09022015). Collection method: clinical testing. Allele origin: germline.
Comment: In summary, the available evidence is currently insufficient to determine the role of this variant in disease. Therefore, it has been classified as a Variant of Uncertain Significance. Advanced modeling of protein sequence and biophysical properties (such as structural, functional, and spatial information, amino acid conservation, physicochemical variation, residue mobility, and thermodynamic stability) performed at Invitae indicates that this missense variant is expected to disrupt FBN2 protein function. This variant has not been reported in the literature in individuals affected with FBN2-related conditions. This variant is not present in population databases (gnomAD no frequency). This sequence change replaces glycine, which is neutral and non-polar, with valine, which is neutral and non-polar, at codon 2030 of the FBN2 protein (p.Gly2030Val).